The following is an entry in ClinVar:

ClinVar aggregate classification (germline): Uncertain significance (1 of 4 stars; one submission).

Conditions:
Neutrophil immunodeficiency syndrome. Also called: Immunodeficiency 73A with defective neutrophil chemotaxis and leukocytosis. Identifiers: Orphanet 183707, MedGen C1842398, MONDO:0011988, OMIM 608203.

Allele frequency attached by ClinVar (database versions not stated): gnomAD 0.00002 and 0.00001; gnomAD exomes 0.00002 and 0.00004; ExAC 0.00005; TOPMed 0.00005.
gnomAD v4.1: 66 of 1,551,818 alleles (0.0043%); highest among the groups gnomAD compares: Non-Finnish European, 0.0052%; no homozygotes.

Submission:

Labcorp Genetics (formerly Invitae), Labcorp
Classification: Uncertain significance for Neutrophil immunodeficiency syndrome. Last evaluated: 2024-08-31. Review status: criteria provided, single submitter. Criteria: Invitae Variant Classification Sherloc (09022015). Collection method: clinical testing. Allele origin: germline.
Comment: This sequence change replaces arginine, which is basic and polar, with histidine, which is basic and polar, at codon 94 of the RAC2 protein (p.Arg94His). The frequency data for this variant in the population databases is considered unreliable, as metrics indicate poor data quality at this position in the gnomAD database. This variant has not been reported in the literature in individuals affected with RAC2-related conditions. ClinVar contains an entry for this variant (Variation ID: 647415). Invitae Evidence Modeling of protein sequence and biophysical properties (such as structural, functional, and spatial information, amino acid conservation, physicochemical variation, residue mobility, and thermodynamic stability) indicates that this missense variant is not expected to disrupt RAC2 protein function with a negative predictive value of 95%. In summary, the available evidence is currently insufficient to determine the role of this variant in disease. Therefore, it has been classified as a Variant of Uncertain Significance.

NM_002872.5(RAC2):c.281G>A (p.Arg94His)

Gene: RAC2 (Rac family small GTPase 2; minus strand). Cytogenetic location: 22q13.1.
Variant type: single nucleotide variant.
Coding change: c.281G>A on transcript NM_002872.5 (MANE Select); coding-DNA position 281, G replaced by A.
Protein change: p.Arg94His; replaces arginine 94 with histidine.
Molecular consequence: missense variant.
Genome position (GRCh38, 1-based): chr22:37,231,939, C>T on the plus strand (G>A on the coding strand, the complement: RAC2 is on the minus strand). VCF-style: chr22-37231939-C-T. GRCh37 (hg19) VCF-style: chr22-37627979-C-T.
Other names: short protein forms R94H.
Identifiers: ClinVar variation 647415 (VCV000647415.9), dbSNP rs780585104, ClinGen allele CA10217556.